The following is an entry in ClinVar:

ClinVar aggregate classification (germline): Conflicting classifications of pathogenicity. Review status: criteria provided, conflicting classifications (1 of 4 stars). 3 submissions from 3 submitters: Uncertain significance (2); Likely benign (1). Last evaluated 2026-07-29.

Conditions:
Catecholaminergic polymorphic ventricular tachycardia 1. Also called: VENTRICULAR TACHYCARDIA, CATECHOLAMINERGIC POLYMORPHIC, 1, WITH OR WITHOUT ATRIAL DYSFUNCTION AND/OR DILATED CARDIOMYOPATHY; VENTRICULAR TACHYCARDIA, STRESS-INDUCED POLYMORPHIC 1; RYR2-Related Catecholaminergic Polymorphic Ventricular Tachycardia. Identifiers: Orphanet 3286, MedGen C1631597, MONDO:0011484, OMIM 604772.
Cardiovascular phenotype. Identifiers: MedGen CN230736.

Submissions (3):

Ambry Genetics
Classification: Uncertain significance for Cardiovascular phenotype. Last evaluated: 2026-07-29. Review status: criteria provided, single submitter. Criteria: Ambry Variant Classification Scheme 2023. Collection method: clinical testing. Allele origin: germline.
Comment: The c.1598-4_1598-3insATTTT intronic variant, results from an insertion of 5 nucleotides between nucleotide positions 1598-4 and 1598-3 before exon 28 of the TRDN gene. This nucleotide region is not well conserved in available vertebrate species. In silico splice site analysis for this alteration is inconclusive. Based on the available evidence, the clinical significance of this variant remains unclear.

Labcorp Genetics (formerly Invitae), Labcorp
Classification: Likely benign for Catecholaminergic polymorphic ventricular tachycardia 1. Last evaluated: 2025-06-20. Review status: criteria provided, single submitter. Criteria: Invitae Variant Classification Sherloc (09022015). Collection method: clinical testing. Allele origin: germline.

Blueprint Genetics
Classification: Uncertain significance. Last evaluated: 2023-05-30. Review status: criteria provided, single submitter. Criteria: ACMG Guidelines, 2015. Collection method: clinical testing. Allele origin: germline.

NM_006073.4(TRDN):c.1598-4_1598-3insTTTAT

Gene: TRDN (triadin; minus strand). Cytogenetic location: 6q22.31.
Variant type: Microsatellite.
Coding change: c.1598-4_1598-3insTTTAT on transcript NM_006073.4 (MANE Select); 4 bases into the intron before coding-DNA position 1598 through 3 bases into the intron before coding-DNA position 1598, TTTAT inserted.
Molecular consequence: intron variant.
Genome position: GRCh38 VCF-style: chr6-123273366-A-AAAAAT. GRCh37 (hg19) VCF-style: chr6-123594511-A-AAAAAT.
Other names: c.1598-4_1598-3insATTTT (NM_006073.2).
Identifiers: ClinVar variation 2138213 (VCV002138213.6), dbSNP rs774826010.
Genomic context (GRCh38, chr6:123,273,366, plus strand): 5'-TCTAAGCATAAAAGATAAAATTAATACATACTGTGTATTTGCACTTTTTCAGATATAGCT[A>AAAAAT]AAATAAATAAATAACATATTAGATTAAATTACCTGCAAAATGGAGTATTTAACAATAACA-3'